The following is an entry in ClinVar:

ClinVar aggregate classification (germline): Uncertain significance. Review status: criteria provided, multiple submitters, no conflicts (2 of 4 stars). 3 submissions from 3 submitters: Uncertain significance (3). Last evaluated 2024-02-08.

Conditions:
Hereditary cancer-predisposing syndrome. Also called: Neoplastic Syndromes, Hereditary; Hereditary Cancer Syndrome; Hereditary neoplastic syndrome; Tumor predisposition. Identifiers: Orphanet 140162, MedGen C0027672, MeSH D009386, MONDO:0015356.
Tuberous sclerosis 2 (TSC2). Identifiers: Orphanet 805, MedGen C1860707, MONDO:0013199, OMIM 613254.

Submissions (3):

GeneDx
Classification: Uncertain significance. Last evaluated: 2024-02-08. Review status: criteria provided, single submitter. Criteria: GeneDx Variant Classification Process June 2021. Collection method: clinical testing. Allele origin: germline. Affected: yes.
Comment: Not observed at significant frequency in large population cohorts (gnomAD); In silico analysis supports that this missense variant has a deleterious effect on protein structure/function; Has not been previously published as pathogenic or benign to our knowledge; This variant is associated with the following publications: (PMID: 18466115)

Ambry Genetics
Classification: Uncertain significance for Hereditary cancer-predisposing syndrome. Last evaluated: 2023-11-02. Review status: criteria provided, single submitter. Criteria: Ambry Variant Classification Scheme 2023. Collection method: clinical testing. Allele origin: germline.
Comment: The p.I40T variant (also known as c.119T>C), located in coding exon 1 of the TSC2 gene, results from a T to C substitution at nucleotide position 119. The isoleucine at codon 40 is replaced by threonine, an amino acid with similar properties. This amino acid position is well conserved in available vertebrate species. In addition, the in silico prediction for this alteration is inconclusive. Since supporting evidence is limited at this time, the clinical significance of this alteration remains unclear.

Labcorp Genetics (formerly Invitae), Labcorp
Classification: Uncertain significance for Tuberous sclerosis 2. Last evaluated: 2023-03-09. Review status: criteria provided, single submitter. Criteria: Invitae Variant Classification Sherloc (09022015). Collection method: clinical testing. Allele origin: germline.
Comment: In summary, the available evidence is currently insufficient to determine the role of this variant in disease. Therefore, it has been classified as a Variant of Uncertain Significance. Advanced modeling of protein sequence and biophysical properties (such as structural, functional, and spatial information, amino acid conservation, physicochemical variation, residue mobility, and thermodynamic stability) performed at Invitae indicates that this missense variant is not expected to disrupt TSC2 protein function. ClinVar contains an entry for this variant (Variation ID: 141455). This variant has not been reported in the literature in individuals affected with TSC2-related conditions. This variant is not present in population databases (gnomAD no frequency). This sequence change replaces isoleucine, which is neutral and non-polar, with threonine, which is neutral and polar, at codon 40 of the TSC2 protein (p.Ile40Thr).

NM_000548.5(TSC2):c.119T>C (p.Ile40Thr)

Gene: TSC2 (TSC complex subunit 2; plus strand). Cytogenetic location: 16p13.3.
Variant type: single nucleotide variant.
Coding change: c.119T>C on transcript NM_000548.5 (MANE Select); coding-DNA position 119, T replaced by C.
Protein change: p.Ile40Thr; replaces isoleucine 40 with threonine.
Molecular consequence: missense variant. On other transcripts: 5 prime UTR variant (1), intron variant (1).
Genome position (GRCh38, 1-based): chr16:2,048,734, T>C. VCF-style: chr16-2048734-T-C. GRCh37 (hg19) VCF-style: chr16-2098735-T-C.
Other names: c.119T>C, p.Ile40Thr (NM_001077183.3, NM_001114382.3, NM_001318827.2 and 4 more transcripts); c.-108T>C (NM_001318831.2); c.152T>C, p.Ile51Thr (NM_001318832.2); c.-10+669T>C (NM_001318829.2); short protein forms I40T, I51T.
Identifiers: ClinVar variation 141455 (VCV000141455.8), dbSNP rs587781758, ClinGen allele CA014027.